The following is an entry in ClinVar:

ClinVar aggregate classification (germline): Uncertain significance (1 of 4 stars; one submission).

Conditions:
Low phospholipid associated cholelithiasis (GBD1). Also called: Gallbladder disease 1; Gallstone cholecystitis. Identifiers: Orphanet 69663, MedGen C2609268, MONDO:0010939, OMIM 600803.

Submission:

Genomenon, Inc
Classification: Uncertain significance for Low phospholipid associated cholelithiasis. Last evaluated: 2026-04-14. Review status: criteria provided, single submitter. Criteria: Genomenon Sequence Variant Interpretation Standards - Updated. Collection method: curation. Allele origin: germline. Affected: yes.
Comment: ABCB4 p.Ser379Asn (c.1136G>A) is a missense variant that changes the amino acid at residue 379 from Serine to Asparagine. This variant has been observed in at least one proband with an ABCB4-related disorder (PMID:32893960). It is absent or not present at a significant frequency in gnomAD. In silico models predict that this variant is possibly or probably damaging. In conclusion, we classify ABCB4 p.Ser379Asn (c.1136G>A) as a variant of uncertain significance.

Literature cited by the submitters: PubMed 32893960.

NM_000443.4(ABCB4):c.1136G>A (p.Ser379Asn)

Gene: ABCB4 (ATP binding cassette subfamily B member 4; minus strand). Cytogenetic location: 7q21.12.
Variant type: single nucleotide variant.
Coding change: c.1136G>A on transcript NM_000443.4 (MANE Select); coding-DNA position 1136, G replaced by A.
Protein change: p.Ser379Asn; replaces serine 379 with asparagine.
Molecular consequence: missense variant.
Genome position (GRCh38, 1-based): chr7:87,443,757, C>T on the plus strand (G>A on the coding strand, the complement: ABCB4 is on the minus strand). VCF-style: chr7-87443757-C-T. GRCh37 (hg19) VCF-style: chr7-87073073-C-T.
Other names: c.1136G>A, p.Ser379Asn (NM_018849.3, NM_018850.3); short protein forms S379N.
Identifiers: ClinVar variation 4846622 (VCV004846622.1).